The following is an entry in ClinVar:

ClinVar aggregate classification (germline): Uncertain significance (1 of 4 stars; one submission).

Allele frequency attached by ClinVar (database versions not stated): gnomAD exomes below 0.00001; gnomAD 0.00002 and 0.00003; TOPMed 0.00005.
gnomAD v4.1: 6 of 1,613,820 alleles (0.00037%); highest among the groups gnomAD compares: Admixed American, 0.0067%; no homozygotes.

Submission:

Labcorp Genetics (formerly Invitae), Labcorp
Classification: Uncertain significance. Last evaluated: 2025-11-05. Review status: criteria provided, single submitter. Criteria: Invitae Variant Classification Sherloc (09022015). Collection method: clinical testing. Allele origin: germline.
Comment: This sequence change replaces serine, which is neutral and polar, with glycine, which is neutral and non-polar, at codon 274 of the CD46 protein (p.Ser274Gly). This variant is not present in population databases (gnomAD no frequency). This variant has not been reported in the literature in individuals affected with CD46-related conditions. ClinVar contains an entry for this variant (Variation ID: 1390370). Invitae Evidence Modeling of protein sequence and biophysical properties (such as structural, functional, and spatial information, amino acid conservation, physicochemical variation, residue mobility, and thermodynamic stability) indicates that this missense variant is not expected to disrupt CD46 protein function with a negative predictive value of 80%. In summary, the available evidence is currently insufficient to determine the role of this variant in disease. Therefore, it has been classified as a Variant of Uncertain Significance.

NM_172351.3(CD46):c.820A>G (p.Ser274Gly)

Gene: CD46 (CD46 molecule; plus strand). Cytogenetic location: 1q32.2.
Variant type: single nucleotide variant.
Coding change: c.820A>G on transcript NM_172351.3 (MANE Select); coding-DNA position 820, A replaced by G.
Protein change: p.Ser274Gly; replaces serine 274 with glycine.
Molecular consequence: missense variant.
Genome position (GRCh38, 1-based): chr1:207,767,159, A>G. VCF-style: chr1-207767159-A-G. GRCh37 (hg19) VCF-style: chr1-207940504-A-G.
Other names: c.820A>G, p.Ser274Gly (NM_002389.4, NM_153826.4, NM_172350.3 and 8 more transcripts); short protein forms S274G.
Identifiers: ClinVar variation 1390370 (VCV001390370.6), dbSNP rs1656953684, ClinGen allele CA344551086.